The following is an entry in ClinVar:

ClinVar aggregate classification (germline): Uncertain significance (1 of 4 stars; one submission).

Conditions:
Dyskeratosis congenita. Identifiers: Orphanet 1775, MedGen C0265965, MONDO:0015780.

Submission:

Labcorp Genetics (formerly Invitae), Labcorp
Classification: Uncertain significance for Dyskeratosis congenita. Last evaluated: 2021-12-24. Review status: criteria provided, single submitter. Criteria: Invitae Variant Classification Sherloc (09022015). Collection method: clinical testing. Allele origin: germline.
Comment: This sequence change replaces histidine, which is basic and polar, with glutamine, which is neutral and polar, at codon 945 of the CTC1 protein (p.His945Gln). This variant is not present in population databases (gnomAD no frequency). This variant has not been reported in the literature in individuals affected with CTC1-related conditions. Algorithms developed to predict the effect of missense changes on protein structure and function are either unavailable or do not agree on the potential impact of this missense change (SIFT: "Tolerated"; PolyPhen-2: "Possibly Damaging"; Align-GVGD: "Class C0"). In summary, the available evidence is currently insufficient to determine the role of this variant in disease. Therefore, it has been classified as a Variant of Uncertain Significance.

NM_025099.6(CTC1):c.2835C>A (p.His945Gln)

Gene: CTC1 (CST telomere replication complex component 1; minus strand). Cytogenetic location: 17p13.1.
Variant type: single nucleotide variant.
Coding change: c.2835C>A on transcript NM_025099.6 (MANE Select); coding-DNA position 2835, C replaced by A.
Protein change: p.His945Gln; replaces histidine 945 with glutamine.
Molecular consequence: missense variant. On other transcripts: non-coding transcript variant (1).
Genome position (GRCh38, 1-based): chr17:8,230,392, G>T on the plus strand (C>A on the coding strand, the complement: CTC1 is on the minus strand). VCF-style: chr17-8230392-G-T. GRCh37 (hg19) VCF-style: chr17-8133710-G-T.
Other names: c.2835C>A, p.His945Gln (NM_001411067.1); short protein forms H945Q.
Identifiers: ClinVar variation 2056987 (VCV002056987.4), dbSNP rs2507881402, ClinGen allele CA397974252.